The following is an entry in ClinVar:

ClinVar aggregate classification (germline): Conflicting classifications of pathogenicity. Review status: criteria provided, conflicting classifications (1 of 4 stars). 4 submissions from 4 submitters: Uncertain significance (3); Likely benign (1). Last evaluated 2025-12-28.

Conditions:
Hereditary cancer-predisposing syndrome. Also called: Neoplastic Syndromes, Hereditary; Tumor predisposition; Hereditary neoplastic syndrome; Hereditary Cancer Syndrome. Identifiers: Orphanet 140162, MedGen C0027672, MeSH D009386, MONDO:0015356.
Rhabdoid tumor predisposition syndrome 2 (RTPS2). Identifiers: Orphanet 231108, Orphanet 69077, MedGen C2750074, MONDO:0013224, OMIM 613325.

Submissions (4):

Labcorp Genetics (formerly Invitae), Labcorp
Classification: Uncertain significance for Rhabdoid tumor predisposition syndrome 2. Last evaluated: 2025-12-28. Review status: criteria provided, single submitter. Criteria: Invitae Variant Classification Sherloc (09022015). Collection method: clinical testing. Allele origin: germline.
Comment: This variant, c.702_713dup, results in the insertion of 4 amino acid(s) of the SMARCA4 protein (p.Gly241_Pro244dup), but otherwise preserves the integrity of the reading frame. This variant is not present in population databases (gnomAD no frequency). This variant has not been reported in the literature in individuals affected with SMARCA4-related conditions. ClinVar contains an entry for this variant (Variation ID: 826778). Experimental studies and prediction algorithms are not available or were not evaluated, and the functional significance of this variant is currently unknown. In summary, the available evidence is currently insufficient to determine the role of this variant in disease. Therefore, it has been classified as a Variant of Uncertain Significance.

Baylor Genetics
Classification: Uncertain significance for Rhabdoid tumor predisposition syndrome 2. Last evaluated: 2023-10-31. Review status: criteria provided, single submitter. Criteria: ACMG Guidelines, 2015. Collection method: clinical testing. Allele origin: unknown.

Sema4
Classification: Uncertain significance for Hereditary cancer-predisposing syndrome. Last evaluated: 2021-07-13. Review status: criteria provided, single submitter. Criteria: Sema4 Curation Guidelines. Collection method: curation. Allele origin: germline.
Comment: The SMARCA4 c.702_713dupTGGCCCTGGCCC (p.G241_P244dup) variant has not been reported in the literature to our knowledge. This variant results in the insertion of 4 amino acids to the SMARCA4 protein (GPGP), but otherwise preserves the integrity of the reading frame. Experimental studies and prediction algorithms are not available, and the functional significance of this variant is currently unknown. It was not observed in the large and broad cohorts of the Genome Aggregation Database (PMID: 32461654). The variant has not been reported in ClinVar. The evidence is insufficient to meet ACMG/AMP criteria for classifying the variant as benign or pathogenic. Thus, the clinical significance of this variant is currently uncertain.

Ambry Genetics
Classification: Likely benign for Hereditary cancer-predisposing syndrome. Last evaluated: 2021-04-13. Review status: criteria provided, single submitter. Criteria: Ambry Variant Classification Scheme 2023. Collection method: clinical testing. Allele origin: germline.

NM_003072.5(SMARCA4):c.696TGGCCC[5] (p.229GP[10])

Gene: SMARCA4 (SWI/SNF related BAF chromatin remodeling complex subunit ATPase 4; plus strand). Cytogenetic location: 19p13.2.
Variant type: Microsatellite.
Coding change: c.696TGGCCC[5] on transcript NM_003072.5 (MANE Select); five copies in a row of the 6-base unit TGGCCC starting at c.696; the reference has three copies in a row; two copies, 12 bases duplicated; also written c.702_713dup.
Protein change: p.229GP[10].
Molecular consequence: inframe insertion. On other transcripts: non-coding transcript variant (1).
Genome position (GRCh38, 1-based): chr19:10,986,535-10,986,546, TGGCCCTGGCCC duplicated; duplicating any 12 consecutive bases within chr19:10,986,524-10,986,546 gives the same sequence; the position shown is the placement nearest the transcript's 3' end. VCF-style (leftmost placement, unchanged base first): chr19-10986523-C-CGGCCCTGGCCCT. GRCh37 (hg19) VCF-style: chr19-11097199-C-CGGCCCTGGCCCT.
Other names: c.696TGGCCC[5], p.229GP[10] (NM_001128844.3, NM_001128845.2, NM_001128846.2 and 5 more transcripts); c.702_713dup (NM_001128849.1, NM_003072.5).
Identifiers: ClinVar variation 826778 (VCV000826778.15), dbSNP rs372601826, ClinGen allele CA915952563.